The following is an entry in ClinVar:

NM_001447.3(FAT2):c.10220A>G (p.His3407Arg)

Genes: SLC36A1 (solute carrier family 36 member 1; plus strand), FAT2 (FAT atypical cadherin 2; minus strand). Cytogenetic location: 5q33.1.
Variant type: single nucleotide variant.
Coding change: c.10220A>G on transcript NM_001447.3 (MANE Select); coding-DNA position 10220, A replaced by G.
Protein change: p.His3407Arg; replaces histidine 3407 with arginine.
Molecular consequence: missense variant.
Genome position (GRCh38, 1-based): chr5:151,527,322, T>C on the plus strand (A>G on the coding strand, the complement: FAT2 is on the minus strand). VCF-style: chr5-151527322-T-C. GRCh37 (hg19) VCF-style: chr5-150906883-T-C.
Other names: c.10220A>G (NM_001447.2); short protein forms H3407R.
Identifiers: ClinVar variation 1879636 (VCV001879636.33), dbSNP rs376887694, ClinGen allele CA3520325.

ClinVar aggregate classification (germline): Uncertain significance. Review status: criteria provided, multiple submitters, no conflicts (2 of 4 stars). 3 submissions from 3 submitters: Uncertain significance (3). Last evaluated 2025-12-15.

Allele frequency attached by ClinVar (database versions not stated): ExAC 0.00001; gnomAD 0.00001; gnomAD exomes 0.00001; TOPMed 0.00001; ESP Exome Variant Server 0.00008.
gnomAD v4.1: 7 of 1,613,404 alleles (0.00043%); highest among the groups gnomAD compares: Admixed American, 0.0067%; no homozygotes.

Submissions (3):

Ambry Genetics
Classification: Uncertain significance. Last evaluated: 2025-12-15. Review status: criteria provided, single submitter. Criteria: Ambry Variant Classification Scheme 2023. Collection method: clinical testing. Allele origin: germline.

Labcorp Genetics (formerly Invitae), Labcorp
Classification: Uncertain significance. Last evaluated: 2023-08-17. Review status: criteria provided, single submitter. Criteria: Invitae Variant Classification Sherloc (09022015). Collection method: clinical testing. Allele origin: germline.
Comment: This variant has not been reported in the literature in individuals affected with FAT2-related conditions. ClinVar contains an entry for this variant (Variation ID: 1879636). An algorithm developed to predict the effect of missense changes on protein structure and function (PolyPhen-2) suggests that this variant is likely to be tolerated. In summary, the available evidence is currently insufficient to determine the role of this variant in disease. Therefore, it has been classified as a Variant of Uncertain Significance. This variant is present in population databases (rs376887694, gnomAD 0.009%). This sequence change replaces histidine, which is basic and polar, with arginine, which is basic and polar, at codon 3407 of the FAT2 protein (p.His3407Arg).

CeGaT Center for Human Genetics Tuebingen
Classification: Uncertain significance. Last evaluated: 2022-12-01. Review status: criteria provided, single submitter. Criteria: CeGaT Center For Human Genetics Tuebingen Variant Classification Criteria Version 2. Collection method: clinical testing. Allele origin: germline. Affected: yes. Observed: 1 variant allele.
Comment: FAT2: PM2, BP4